The following is an entry in ClinVar:

NM_005445.4(SMC3):c.2126A>C (p.Asn709Thr)

Gene: SMC3 (structural maintenance of chromosomes 3; plus strand). Cytogenetic location: 10q25.2.
Variant type: single nucleotide variant.
Coding change: c.2126A>C on transcript NM_005445.4 (MANE Select); coding-DNA position 2126, A replaced by C.
Protein change: p.Asn709Thr; replaces asparagine 709 with threonine.
Molecular consequence: missense variant.
Genome position (GRCh38, 1-based): chr10:110,598,148, A>C. VCF-style: chr10-110598148-A-C. GRCh37 (hg19) VCF-style: chr10-112357906-A-C.
Other names: short protein forms N709T.
Identifiers: ClinVar variation 1786320 (VCV001786320.2), dbSNP rs2493141283, ClinGen allele CA378392000.

ClinVar aggregate classification (germline): Uncertain significance (1 of 4 stars; one submission).

Conditions:
Inborn genetic diseases. Identifiers: MedGen C0950123, MeSH D030342.

Submission:

Ambry Genetics
Classification: Uncertain significance for Inborn genetic diseases. Last evaluated: 2018-10-23. Review status: criteria provided, single submitter. Criteria: Ambry Variant Classification Scheme 2023. Collection method: clinical testing. Allele origin: germline.
Comment: The p.N709T variant (also known as c.2126A>C), located in coding exon 20 of the SMC3 gene, results from an A to C substitution at nucleotide position 2126. The asparagine at codon 709 is replaced by threonine, an amino acid with similar properties. This amino acid position is highly conserved in available vertebrate species. In addition, this alteration is predicted to be tolerated by in silico analysis. Since supporting evidence is limited at this time, the clinical significance of this alteration remains unclear.